The following is an entry in ClinVar:

NM_001365951.3(KIF1B):c.2115+6207G>A

Gene: KIF1B (kinesin family member 1B; plus strand). Cytogenetic location: 1p36.22.
Variant type: single nucleotide variant.
Coding change: c.2115+6207G>A on transcript NM_001365951.3 (MANE Select); 6207 bases into the intron after coding-DNA position 2115, G replaced by A.
Molecular consequence: intron variant. On other transcripts: synonymous variant (2).
Genome position (GRCh38, 1-based): chr1:10,303,453, G>A. VCF-style: chr1-10303453-G-A. GRCh37 (hg19) VCF-style: chr1-10363511-G-A.
Other names: c.2268G>A, p.Arg756= (NM_001365953.1, NM_183416.4); c.1977+6207G>A (NM_015074.3); c.2115+6207G>A (NM_001365952.1); c.2268G>A (NM_183416.3).
Identifiers: ClinVar variation 1270547 (VCV001270547.4), dbSNP rs75760005, ClinGen allele CA581218.

ClinVar aggregate classification (germline): Benign. Review status: criteria provided, multiple submitters, no conflicts (2 of 4 stars). 3 submissions from 3 submitters: Benign (2). 1 of the submissions does not count toward it. Last evaluated 2019-06-15.

Conditions:
KIF1B-related disorder. Also called: KIF1B-related condition.

Allele frequency attached by ClinVar (database versions not stated): gnomAD exomes 0.00238 and 0.00632; ExAC 0.00770; 1000 Genomes Project 0.02596; gnomAD 0.02618 and 0.02849; 1000 Genomes Project 30x 0.02826; TOPMed 0.02948; ESP Exome Variant Server 0.03045.
gnomAD v4.1: 7,634 of 1,614,162 alleles (0.47%); highest among the groups gnomAD compares: African/African-American, 9%; 342 homozygotes.

Submissions (3):

GeneDx
Classification: Benign. Last evaluated: 2019-06-15. Review status: criteria provided, single submitter. Criteria: GeneDx Variant Classification Process June 2021. Collection method: clinical testing. Allele origin: germline. Affected: yes.

Breakthrough Genomics
Classification: Benign. Review status: criteria provided, single submitter. Criteria: ACMG Guidelines, 2015. Collection method: not provided. Allele origin: germline. Inheritance: Autosomal dominant inheritance. Affected: yes.

PreventionGenetics, part of Exact Sciences
Classification: Benign for KIF1B-related condition. Last evaluated: 2022-06-02. Review status: no assertion criteria provided. Collection method: clinical testing. Allele origin: germline. Not counted in ClinVar's aggregate classification.
Comment: This variant is classified as benign based on ACMG/AMP sequence variant interpretation guidelines (Richards et al. 2015 PMID: 25741868, with internal and published modifications).